The following is an entry in ClinVar:

NM_006509.4(RELB):c.14G>A (p.Gly5Glu)

Genes: RELB (RELB proto-oncogene, NF-kB subunit; plus strand), LOC130064661 (ATAC-STARR-seq lymphoblastoid silent region 10746; plus strand). Cytogenetic location: 19q13.32.
Variant type: single nucleotide variant.
Coding change: c.14G>A on transcript NM_006509.4 (MANE Select); coding-DNA position 14, G replaced by A.
Protein change: p.Gly5Glu; replaces glycine 5 with glutamic acid.
Molecular consequence: missense variant.
Genome position (GRCh38, 1-based): chr19:45,001,593, G>A. VCF-style: chr19-45001593-G-A. GRCh37 (hg19) VCF-style: chr19-45504851-G-A.
Other names: c.14G>A, p.Gly5Glu (NM_001411087.1); short protein forms G5E.
Identifiers: ClinVar variation 1718226 (VCV001718226.6), dbSNP rs1413862268, ClinGen allele CA406319247.

ClinVar aggregate classification (germline): Uncertain significance (1 of 4 stars; one submission).

gnomAD v4.1: 3 of 1,497,026 alleles (0.0002%); highest among the groups gnomAD compares: Non-Finnish European, 0.00027%; no homozygotes.

Submission:

Labcorp Genetics (formerly Invitae), Labcorp
Classification: Uncertain significance. Last evaluated: 2025-09-02. Review status: criteria provided, single submitter. Criteria: Invitae Variant Classification Sherloc (09022015). Collection method: clinical testing. Allele origin: germline.
Comment: This sequence change replaces glycine, which is neutral and non-polar, with glutamic acid, which is acidic and polar, at codon 5 of the RELB protein (p.Gly5Glu). This variant is not present in population databases (gnomAD no frequency). This variant has not been reported in the literature in individuals affected with RELB-related conditions. ClinVar contains an entry for this variant (Variation ID: 1718226). An algorithm developed to predict the effect of missense changes on protein structure and function outputs the following: PolyPhen-2: "Benign". The glutamic acid amino acid residue is found in multiple mammalian species, which suggests that this missense change does not adversely affect protein function. In summary, the available evidence is currently insufficient to determine the role of this variant in disease. Therefore, it has been classified as a Variant of Uncertain Significance.